The following is an entry in ClinVar:

NM_004525.3(LRP2):c.3054C>A (p.Thr1018=)

Gene: LRP2 (LDL receptor related protein 2; minus strand). Cytogenetic location: 2q31.1.
Variant type: single nucleotide variant.
Coding change: c.3054C>A on transcript NM_004525.3 (MANE Select); coding-DNA position 3054, C replaced by A.
Protein change: p.Thr1018=; no amino-acid change (threonine 1018 retained).
Molecular consequence: synonymous variant.
Genome position (GRCh38, 1-based): chr2:169,246,841, G>T on the plus strand (C>A on the coding strand, the complement: LRP2 is on the minus strand). VCF-style: chr2-169246841-G-T. GRCh37 (hg19) VCF-style: chr2-170103351-G-T.
Other names: p.Thr1018=.
Identifiers: ClinVar variation 129515 (VCV000129515.31), dbSNP rs2075249, ClinGen allele CA153572.

ClinVar aggregate classification (germline): Benign. Review status: criteria provided, multiple submitters, no conflicts (2 of 4 stars). 11 submissions from 11 submitters: Benign (8). 3 of the submissions do not count toward it. Last evaluated 2026-02-04.

Conditions:
Donnai-Barrow syndrome. Also called: FACIOOCULOACOUSTICORENAL SYNDROME; DBS/FOAR SYNDROME. Identifiers: Orphanet 2143, MedGen C1857277, MONDO:0009104, OMIM 222448.

Allele frequency attached by ClinVar (database versions not stated): ESP Exome Variant Server 0.40243; gnomAD 0.41290 and 0.42392; TOPMed 0.42286; 1000 Genomes Project 30x 0.45050; 1000 Genomes Project 0.45647; ExAC 0.49208; gnomAD exomes 0.50059.
gnomAD v4.1: 749,093 of 1,613,768 alleles (46%); highest among the groups gnomAD compares: South Asian, 66%; 178,683 homozygotes.

Submissions (11):

Labcorp Genetics (formerly Invitae), Labcorp
Classification: Benign. Last evaluated: 2026-02-04. Review status: criteria provided, single submitter. Criteria: Invitae Variant Classification Sherloc (09022015). Collection method: clinical testing. Allele origin: germline.

Blueprint Genetics
Classification: Benign. Last evaluated: 2024-11-26. Review status: criteria provided, single submitter. Criteria: ACMG Guidelines, 2015. Collection method: clinical testing. Allele origin: germline.

Mayo Clinic Laboratories, Mayo Clinic
Classification: Benign. Last evaluated: 2022-11-10. Review status: criteria provided, single submitter. Criteria: ACMG Guidelines, 2015. Collection method: clinical testing. Allele origin: germline. Observed: 89 variant alleles.

Genome-Nilou Lab
Classification: Benign for Donnai-Barrow syndrome. Last evaluated: 2021-08-19. Review status: criteria provided, single submitter. Criteria: ACMG Guidelines, 2015. Collection method: clinical testing. Allele origin: germline. Affected: no.

Illumina Laboratory Services, Illumina
Classification: Benign for Donnai-Barrow syndrome. Last evaluated: 2018-01-12. Review status: criteria provided, single submitter. Criteria: ICSL Variant Classification Criteria 13 December 2019. Collection method: clinical testing. Allele origin: germline.
Comment: This variant was observed in the ICSL laboratory as part of a predisposition screen in an ostensibly healthy population. It had not been previously curated by ICSL or reported in the Human Gene Mutation Database (HGMD: prior to June 1st, 2018), and was therefore a candidate for classification through an automated scoring system. Utilizing variant allele frequency, disease prevalence and penetrance estimates, and inheritance mode, an automated score was calculated to assess if this variant is too frequent to cause the disease. Based on the score and internal cut-off values, a variant classified as benign is not then subjected to further curation. The score for this variant resulted in a classification of benign for this disease.

GeneDx
Classification: Benign. Last evaluated: 2015-03-03. Review status: criteria provided, single submitter. Criteria: GeneDx Variant Classification Process June 2021. Collection method: clinical testing. Allele origin: germline. Affected: yes.

Breakthrough Genomics
Classification: Benign. Review status: criteria provided, single submitter. Criteria: ACMG Guidelines, 2015. Collection method: not provided. Allele origin: germline. Inheritance: Autosomal recessive inheritance. Affected: yes.

PreventionGenetics, part of Exact Sciences
Classification: Benign. Review status: criteria provided, single submitter. Criteria: ACMG Guidelines, 2015. Collection method: clinical testing. Allele origin: germline.

Diagnostic Laboratory, Department of Genetics, University Medical Center Groningen
Classification: Benign. Review status: no assertion criteria provided. Collection method: clinical testing. Allele origin: germline. Affected: yes. Study: VKGL Data-share Consensus. Not counted in ClinVar's aggregate classification.

Genetic Services Laboratory, University of Chicago
Classification: Likely benign for AllHighlyPenetrant. Review status: no assertion criteria provided. Collection method: clinical testing. Allele origin: germline. Inheritance: Autosomal recessive inheritance. Not counted in ClinVar's aggregate classification.
Comment: Likely benign based on allele frequency in 1000 Genomes Project or ESP global frequency and its presence in a patient with a rare or unrelated disease phenotype. NOT Sanger confirmed.

Joint Genome Diagnostic Labs from Nijmegen and Maastricht, Radboudumc and MUMC+
Classification: Benign. Review status: no assertion criteria provided. Collection method: clinical testing. Allele origin: germline. Affected: yes. Study: VKGL Data-share Consensus. Not counted in ClinVar's aggregate classification.